The following is an entry in ClinVar:

ClinVar aggregate classification (germline): Pathogenic. Review status: reviewed by expert panel (3 of 4 stars). 4 submissions from 4 submitters: Pathogenic (1). 3 of the submissions do not count toward it. Last evaluated 2016-09-08.

Conditions:
Hereditary cancer-predisposing syndrome. Also called: Tumor predisposition; Hereditary neoplastic syndrome; Hereditary Cancer Syndrome; Neoplastic Syndromes, Hereditary. Identifiers: Orphanet 140162, MedGen C0027672, MeSH D009386, MONDO:0015356.
Hereditary breast ovarian cancer syndrome. Also called: Hereditary breast and/or ovarian cancer syndrome; Breast and ovarian cancer; Hereditary breast and ovarian cancer syndrome; Hereditary breast and ovarian cancer; Hereditary breast and ovarian cancer syndrome (HBOC); BRCA1- and BRCA2-Associated Hereditary Breast and Ovarian Cancer. Identifiers: Orphanet 145, MedGen C0677776, MeSH D061325, MONDO:0003582. Disease mechanism: loss of function.
Breast-ovarian cancer, familial, susceptibility to, 1 (BROVCA1). Also called: BRCA1 Hereditary Breast and Ovarian Cancer; OVARIAN CANCER, SUSCEPTIBILITY TO. Identifiers: Orphanet 145, MedGen C2676676, MONDO:0011450, OMIM 604370. Disease mechanism: loss of function.

Submissions (4):

Evidence-based Network for the Interpretation of Germline Mutant Alleles (ENIGMA)
Classification: Pathogenic for Breast-ovarian cancer, familial, susceptibility to, 1. Last evaluated: 2016-09-08. Review status: reviewed by expert panel. Criteria: ENIGMA BRCA1/2 Classification Criteria (2015). Collection method: curation. Allele origin: germline.
Comment: Variant allele predicted to encode a truncated non-functional protein.

Labcorp Genetics (formerly Invitae), Labcorp
Classification: Pathogenic for Hereditary breast ovarian cancer syndrome. Last evaluated: 2022-07-18. Review status: criteria provided, single submitter. Criteria: Invitae Variant Classification Sherloc (09022015). Collection method: clinical testing. Allele origin: germline. Not counted in ClinVar's aggregate classification.
Comment: For these reasons, this variant has been classified as Pathogenic. ClinVar contains an entry for this variant (Variation ID: 125481). This variant has not been reported in the literature in individuals affected with BRCA1-related conditions. This variant is not present in population databases (gnomAD no frequency). This sequence change creates a premature translational stop signal (p.Asn329Glnfs*2) in the BRCA1 gene. It is expected to result in an absent or disrupted protein product. Loss-of-function variants in BRCA1 are known to be pathogenic (PMID: 20104584).

Ambry Genetics
Classification: Pathogenic for Hereditary cancer-predisposing syndrome. Last evaluated: 2016-02-26. Review status: criteria provided, single submitter. Criteria: Ambry Variant Classification Scheme 2023. Collection method: clinical testing. Allele origin: germline. Not counted in ClinVar's aggregate classification.
Comment: The c.984_985insC pathogenic mutation, located in coding exon 9 of the BRCA1 gene, results from an insertion of one nucleotide at position 984, causing a translational frameshift with a predicted alternate stop codon. Since frameshifts are typically deleterious in nature, this alteration is interpreted as a disease-causing mutation (ACMG Recommendations for Standards for Interpretation and Reporting of Sequence Variations. Revision 2007. Genet Med. 2008;10:294).

Breast Cancer Information Core (BIC) (BRCA1)
Classification: Pathogenic for Breast-ovarian cancer, familial 1. Last evaluated: 1997-11-14. Review status: no assertion criteria provided. Collection method: clinical testing. Allele origin: germline. Affected: yes. Observed: 1 variant allele. Not counted in ClinVar's aggregate classification.

Literature cited by the submitters: PubMed 20104584 (cited by Labcorp Genetics (formerly Invitae), Labcorp).

NM_007294.4(BRCA1):c.984_985insC (p.Asn329fs)

Gene: BRCA1 (BRCA1 DNA repair associated; minus strand). Cytogenetic location: 17q21.31.
Variant type: Insertion.
Coding change: c.984_985insC on transcript NM_007294.4 (MANE Select); coding-DNA positions 984 to 985, C inserted.
Protein change: p.Asn329fs; shifts the reading frame from asparagine 329.
Molecular consequence: frameshift variant. On other transcripts: intron variant (137).
Genome position: GRCh38 VCF-style: chr17-43094546-T-TG. GRCh37 (hg19) VCF-style: chr17-41246563-T-TG.
Other names: 1103insC; c.771_772insC, p.Asn258fs (NM_001407571.1, NM_001407853.1, NM_001407894.1 and 9 more transcripts); c.984_985insC, p.Asn329fs (NM_001407581.1, NM_001407582.1, NM_001407583.1 and 30 more transcripts); c.981_982insC, p.Asn328fs (NM_001407587.1, NM_001407590.1, NM_001407591.1 and 22 more transcripts); c.906_907insC, p.Asn303fs (NM_001407654.1, NM_001407655.1, NM_001407656.1 and 4 more transcripts); c.903_904insC, p.Asn302fs (NM_001407659.1, NM_001407660.1, NM_001407661.1 and 1 more transcripts); c.861_862insC, p.Asn288fs (NM_001407664.1, NM_001407665.1, NM_001407666.1 and 19 more transcripts); c.858_859insC, p.Asn287fs (NM_001407670.1, NM_001407671.1, NM_001407672.1 and 11 more transcripts); and 41 more; short protein forms N282fs, N329fs, N161fs, N240fs, N241fs, N287fs, N326fs, N201fs.
Identifiers: ClinVar variation 125481 (VCV000125481.10), dbSNP rs80357775, ClinGen allele CA003997.